The following is an entry in ClinVar:

NM_000059.4(BRCA2):c.68-59T>C

Gene: BRCA2 (BRCA2 DNA repair associated; plus strand). Cytogenetic location: 13q13.1.
Variant type: single nucleotide variant.
Coding change: c.68-59T>C on transcript NM_000059.4 (MANE Select); 59 bases into the intron before coding-DNA position 68, T replaced by C.
Molecular consequence: intron variant.
Genome position (GRCh38, 1-based): chr13:32,319,018, T>C. VCF-style: chr13-32319018-T-C. GRCh37 (hg19) VCF-style: chr13-32893155-T-C.
Other names: c.68-59T>C (NM_001432077.1, NM_001406720.1, NM_001406719.1 and 1 more transcripts); c.-302-59T>C (NM_001406722.1).
Identifiers: ClinVar variation 4056813 (VCV004056813.1).
Genomic context (GRCh38, chr13:32,319,018, plus strand): 5'-ACAAAAGTAATCCATAGTCAAGATCTTAAGCATTTTTTTCCTTATGATCTTTAACTGTTC[T>C]GGGTCACAAATTTGTCTGTCACTGGTTAAAACTAAGGTGGGATTTTTTTTTTAAATAGAT-3'

ClinVar aggregate classification (germline): Uncertain significance (1 of 4 stars; one submission).

Conditions:
Breast-ovarian cancer, familial, susceptibility to, 2 (BROVCA2). Also called: BRCA2 Hereditary Breast and Ovarian Cancer. Identifiers: Orphanet 145, MedGen C2675520, MONDO:0012933, OMIM 612555. Disease mechanism: loss of function.

Submission:

Dipartimento Di Medicina Di Precisione, Università Degli Studi Della Campania Luigi Vanvitelli
Classification: Uncertain significance for Breast-ovarian cancer, familial, susceptibility to, 2. Last evaluated: 2025-07-03. Review status: criteria provided, single submitter. Criteria: ACMG Guidelines, 2015. Collection method: clinical testing. Allele origin: germline. Affected: yes. Observed: 1 heterozygote.
Comment: The substitution is located 59 nucleotides upstream of exon 2, in a position distant from the canonical splicing sites.

Literature cited by the submitters: DOI 10.1515/cclm-2012-0154.